The following is an entry in ClinVar:

ClinVar aggregate classification (germline): Uncertain significance (1 of 4 stars; one submission).

Allele frequency attached by ClinVar (database versions not stated): gnomAD exomes below 0.00001.
gnomAD v4.1: 1 of 1,605,112 alleles (0.000062%); highest among the groups gnomAD compares: South Asian, 0.0011%; no homozygotes.

Submission:

Labcorp Genetics (formerly Invitae), Labcorp
Classification: Uncertain significance. Last evaluated: 2023-11-08. Review status: criteria provided, single submitter. Criteria: Invitae Variant Classification Sherloc (09022015). Collection method: clinical testing. Allele origin: germline.
Comment: This sequence change replaces glutamic acid, which is acidic and polar, with lysine, which is basic and polar, at codon 1111 of the AUTS2 protein (p.Glu1111Lys). This variant is present in population databases (no rsID available, gnomAD 0.003%). This variant has not been reported in the literature in individuals affected with AUTS2-related conditions. Advanced modeling of protein sequence and biophysical properties (such as structural, functional, and spatial information, amino acid conservation, physicochemical variation, residue mobility, and thermodynamic stability) performed at Invitae indicates that this missense variant is expected to disrupt AUTS2 protein function with a positive predictive value of 80%. In summary, the available evidence is currently insufficient to determine the role of this variant in disease. Therefore, it has been classified as a Variant of Uncertain Significance.

NM_015570.4(AUTS2):c.3331G>A (p.Glu1111Lys)

Gene: AUTS2 (activator of transcription and developmental regulator AUTS2; plus strand). Cytogenetic location: 7q11.22.
Variant type: single nucleotide variant.
Coding change: c.3331G>A on transcript NM_015570.4 (MANE Select); coding-DNA position 3331, G replaced by A.
Protein change: p.Glu1111Lys; replaces glutamic acid 1111 with lysine.
Molecular consequence: missense variant.
Genome position (GRCh38, 1-based): chr7:70,790,547, G>A. VCF-style: chr7-70790547-G-A. GRCh37 (hg19) VCF-style: chr7-70255533-G-A.
Other names: c.3259G>A, p.Glu1087Lys (NM_001127231.3); short protein forms E1087K, E1111K.
Identifiers: ClinVar variation 2733546 (VCV002733546.3), dbSNP rs1384336956, ClinGen allele CA367665964.